The following is an entry in ClinVar:

NM_001130698.2(TRPC3):c.2129A>G (p.Lys710Arg)

Gene: TRPC3 (transient receptor potential cation channel subfamily C member 3; minus strand). Cytogenetic location: 4q27.
Variant type: single nucleotide variant.
Coding change: c.2129A>G on transcript NM_001130698.2 (MANE Select); coding-DNA position 2129, A replaced by G.
Protein change: p.Lys710Arg; replaces lysine 710 with arginine.
Molecular consequence: missense variant.
Genome position (GRCh38, 1-based): chr4:121,904,446, T>C on the plus strand (A>G on the coding strand, the complement: TRPC3 is on the minus strand). VCF-style: chr4-121904446-T-C. GRCh37 (hg19) VCF-style: chr4-122825601-T-C.
Other names: c.2129A>G, p.Lys710Arg (NM_001366479.2); c.1910A>G, p.Lys637Arg (NM_003305.2); c.2129A>G (NM_001130698.1); short protein forms K710R, K637R.
Identifiers: ClinVar variation 2962405 (VCV002962405.4), dbSNP rs1297339645, ClinGen allele CA358054013.

ClinVar aggregate classification (germline): Uncertain significance. Review status: criteria provided, multiple submitters, no conflicts (2 of 4 stars). 2 submissions from 2 submitters: Uncertain significance (2). Last evaluated 2025-02-05.

Allele frequency attached by ClinVar (database versions not stated): gnomAD exomes below 0.00001; TOPMed below 0.00001.
gnomAD v4.1: 5 of 1,605,808 alleles (0.00031%); highest among the groups gnomAD compares: Admixed American, 0.0069%; no homozygotes.

Submissions (2):

Ambry Genetics
Classification: Uncertain significance. Last evaluated: 2025-02-05. Review status: criteria provided, single submitter. Criteria: Ambry Variant Classification Scheme 2023. Collection method: clinical testing. Allele origin: germline.

Labcorp Genetics (formerly Invitae), Labcorp
Classification: Uncertain significance. Last evaluated: 2023-11-27. Review status: criteria provided, single submitter. Criteria: Invitae Variant Classification Sherloc (09022015). Collection method: clinical testing. Allele origin: germline.
Comment: This sequence change replaces lysine, which is basic and polar, with arginine, which is basic and polar, at codon 710 of the TRPC3 protein (p.Lys710Arg). This variant is present in population databases (no rsID available, gnomAD 0.003%). This variant has not been reported in the literature in individuals affected with TRPC3-related conditions. Advanced modeling of protein sequence and biophysical properties (such as structural, functional, and spatial information, amino acid conservation, physicochemical variation, residue mobility, and thermodynamic stability) performed at Invitae indicates that this missense variant is not expected to disrupt TRPC3 protein function with a negative predictive value of 80%. In summary, the available evidence is currently insufficient to determine the role of this variant in disease. Therefore, it has been classified as a Variant of Uncertain Significance.